The following is an entry in ClinVar:

ClinVar aggregate classification (germline): Uncertain significance (1 of 4 stars; one submission).

Submission:

Labcorp Genetics (formerly Invitae), Labcorp
Classification: Uncertain significance. Last evaluated: 2025-12-03. Review status: criteria provided, single submitter. Criteria: Invitae Variant Classification Sherloc (09022015). Collection method: clinical testing. Allele origin: germline.
Comment: This sequence change replaces arginine, which is basic and polar, with tryptophan, which is neutral and slightly polar, at codon 263 of the ADCY5 protein (p.Arg263Trp). This variant is not present in population databases (gnomAD no frequency). This variant has not been reported in the literature in individuals affected with ADCY5-related conditions. Invitae Evidence Modeling of protein sequence and biophysical properties (such as structural, functional, and spatial information, amino acid conservation, physicochemical variation, residue mobility, and thermodynamic stability) indicates that this missense variant is not expected to disrupt ADCY5 protein function with a negative predictive value of 95%. In summary, the available evidence is currently insufficient to determine the role of this variant in disease. Therefore, it has been classified as a Variant of Uncertain Significance.

NM_183357.3(ADCY5):c.787C>T (p.Arg263Trp)

Gene: ADCY5 (adenylate cyclase 5; minus strand). Cytogenetic location: 3q21.1.
Variant type: single nucleotide variant.
Coding change: c.787C>T on transcript NM_183357.3 (MANE Select); coding-DNA position 787, C replaced by T.
Protein change: p.Arg263Trp; replaces arginine 263 with tryptophan.
Molecular consequence: missense variant.
Genome position (GRCh38, 1-based): chr3:123,447,759, G>A on the plus strand (C>T on the coding strand, the complement: ADCY5 is on the minus strand). VCF-style: chr3-123447759-G-A. GRCh37 (hg19) VCF-style: chr3-123166606-G-A.
Other names: c.787C>T, p.Arg263Trp (NM_001378259.1); short protein forms R263W.
Identifiers: ClinVar variation 4805871 (VCV004805871.1).
Genomic context (GRCh38, chr3:123,447,759, plus strand): 5'-TGAGGATCACGCCGACGGCGGCCGCCAGCACGGCCAGGTAGGGCAGCTGGAGCGGGGGCC[G>A]CGCCGCGTGGAAGGCCAACATGACCAGGCACACGAGCACCAGCACGGCCATGAGCATGGT-3'
Protein context (NP_899200.1, residues 253-273): CLVMLAFHAA[Arg263Trp]PPLQLPYLAV